The following is an entry in ClinVar:

NM_000284.4(PDHA1):c.1046C>T (p.Ala349Val)

Gene: PDHA1 (pyruvate dehydrogenase E1 subunit alpha 1; plus strand). Cytogenetic location: Xp22.12.
Variant type: single nucleotide variant.
Coding change: c.1046C>T on transcript NM_000284.4 (MANE Select); coding-DNA position 1046, C replaced by T.
Protein change: p.Ala349Val; replaces alanine 349 with valine.
Molecular consequence: missense variant.
Genome position (GRCh38, 1-based): chrX:19,359,526, C>T. VCF-style: chrX-19359526-C-T. GRCh37 (hg19) VCF-style: chrX-19377644-C-T.
Other names: c.1160C>T, p.Ala387Val (NM_001173454.2); c.1067C>T, p.Ala356Val (NM_001173455.2); c.953C>T, p.Ala318Val (NM_001173456.2); short protein forms A349V, A356V, A387V, A318V.
Identifiers: ClinVar variation 430418 (VCV000430418.2), dbSNP rs1131691952, ClinGen allele CA412396526.

ClinVar aggregate classification (germline): Likely pathogenic (1 of 4 stars; one submission).

Submission:

GeneDx
Classification: Likely pathogenic. Last evaluated: 2017-06-08. Review status: criteria provided, single submitter. Criteria: GeneDx Variant Classification (06012015). Collection method: clinical testing. Allele origin: germline. Affected: yes.
Comment: The A349V variant has not been published as a pathogenic variant, nor has it been reported as a benign variant to our knowledge. The A349V variant is not observed in large population cohorts (Lek et al., 2016; 1000 Genomes Consortium et al., 2015; Exome Variant Server). The A349V substitution occurs at a position that is conserved across species. In silico analysis predicts this variant is probably damaging to the protein structure/function. In summary, we interpret the A349V variant as likely pathogenic; however, the possibility that it is benign cannot be excluded.